The following is an entry in ClinVar:

ClinVar aggregate classification (germline): Conflicting classifications of pathogenicity. Review status: criteria provided, conflicting classifications (1 of 4 stars). 7 submissions from 7 submitters: Uncertain significance (2); Benign (1); Likely benign (4). Last evaluated 2026-01-01.

Conditions:
Inborn genetic diseases. Identifiers: MedGen C0950123, MeSH D030342.
Landau-Kleffner syndrome (FESD). Also called: APHASIA, ACQUIRED, WITH EPILEPSY; EPILEPSY, FOCAL, WITH SPEECH DISORDER AND WITH OR WITHOUT MENTAL RETARDATION. Identifiers: Orphanet 1945, Orphanet 725, Orphanet 98818, MedGen C0282512, MONDO:0009509, OMIM 245570.

Allele frequency attached by ClinVar (database versions not stated): gnomAD exomes below 0.00001; ExAC 0.00001; TOPMed 0.00002; ESP Exome Variant Server 0.00023.
gnomAD v4.1: 14 of 1,612,242 alleles (0.00087%); highest among the groups gnomAD compares: Middle Eastern, 0.033%; no homozygotes.

Submissions (7):

CeGaT Center for Human Genetics Tuebingen
Classification: Likely benign. Last evaluated: 2026-01-01. Review status: criteria provided, single submitter. Criteria: CeGaT Center For Human Genetics Tuebingen Variant Classification Criteria Version 2. Collection method: clinical testing. Allele origin: germline. Affected: yes. Observed: 1 variant allele.
Comment: GRIN2A: BP4

Genomic Medicine Center of Excellence, King Faisal Specialist Hospital and Research Centre
Classification: Likely benign. Last evaluated: 2025-08-18. Review status: criteria provided, single submitter. Criteria: ACMG Guidelines, 2015. Collection method: clinical testing. Allele origin: germline.

Labcorp Genetics (formerly Invitae), Labcorp
Classification: Likely benign for Landau-Kleffner syndrome. Last evaluated: 2025-05-04. Review status: criteria provided, single submitter. Criteria: Invitae Variant Classification Sherloc (09022015). Collection method: clinical testing. Allele origin: germline.

Ambry Genetics
Classification: Uncertain significance for Inborn genetic diseases. Last evaluated: 2024-09-03. Review status: criteria provided, single submitter. Criteria: Ambry Variant Classification Scheme 2023. Collection method: clinical testing. Allele origin: germline.
Comment: The c.1777+6G>T intronic alteration consists of a G to T substitution nucleotides after coding exon 7 in the GRIN2A gene. Based on insufficient or conflicting evidence, the clinical significance of this alteration remains unclear.

Blueprint Genetics
Classification: Likely benign. Last evaluated: 2023-10-02. Review status: criteria provided, single submitter. Criteria: ACMG Guidelines, 2015. Collection method: clinical testing. Allele origin: germline.

Revvity Omics, Revvity
Classification: Uncertain significance for Landau-Kleffner syndrome. Last evaluated: 2020-12-02. Review status: criteria provided, single submitter. Criteria: ACMG Guidelines, 2015. Collection method: clinical testing. Allele origin: germline.

GeneDx
Classification: Benign. Last evaluated: 2014-02-14. Review status: criteria provided, single submitter. Criteria: GeneDx Variant Classification (06012015). Collection method: clinical testing. Allele origin: germline. Affected: yes.
Comment: This variant is considered likely benign or benign based on one or more of the following criteria: it is a conservative change, it occurs at a poorly conserved position in the protein, it is predicted to be benign by multiple in silico algorithms, and/or has population frequency not consistent with disease.

NM_001134407.3(GRIN2A):c.1777+6G>T

Gene: GRIN2A (glutamate ionotropic receptor NMDA type subunit 2A; minus strand). Cytogenetic location: 16p13.2.
Variant type: single nucleotide variant.
Coding change: c.1777+6G>T on transcript NM_001134407.3 (MANE Select); 6 bases into the intron after coding-DNA position 1777, G replaced by T.
Molecular consequence: intron variant.
Genome position (GRCh38, 1-based): chr16:9,834,099, C>A on the plus strand (G>T on the coding strand, the complement: GRIN2A is on the minus strand). VCF-style: chr16-9834099-C-A. GRCh37 (hg19) VCF-style: chr16-9927956-C-A.
Other names: c.1777+6G>T (NM_001134408.2, NM_000833.5).
Identifiers: ClinVar variation 137511 (VCV000137511.20), dbSNP rs76549675, ClinGen allele CA291122.